The following is an entry in ClinVar:

ClinVar aggregate classification (germline): Uncertain significance (0 of 4 stars; one submission).

Conditions:
IFT74-related disorder. Also called: IFT74-related condition; IFT74-Related Disorders.

gnomAD v4.1: 18 of 1,606,666 alleles (0.0011%); highest among the groups gnomAD compares: South Asian, 0.013%; 1 homozygote.

Submission:

PreventionGenetics, part of Exact Sciences
Classification: Uncertain significance for IFT74-related condition. Last evaluated: 2024-08-18. Review status: no assertion criteria provided. Collection method: clinical testing. Allele origin: germline.
Comment: The IFT74 c.821C>T variant is predicted to result in the amino acid substitution p.Ala274Val. To our knowledge, this variant has not been reported in the literature. This variant is reported in 0.0030% of alleles in individuals of Latino descent in gnomAD. At this time, the clinical significance of this variant is uncertain due to the absence of conclusive functional and genetic evidence.

NM_025103.4(IFT74):c.821C>T (p.Ala274Val)

Gene: IFT74 (intraflagellar transport 74; plus strand). Cytogenetic location: 9p21.2.
Variant type: single nucleotide variant.
Coding change: c.821C>T on transcript NM_025103.4 (MANE Select); coding-DNA position 821, C replaced by T.
Protein change: p.Ala274Val; replaces alanine 274 with valine.
Molecular consequence: missense variant.
Genome position (GRCh38, 1-based): chr9:27,016,938, C>T. VCF-style: chr9-27016938-C-T. GRCh37 (hg19) VCF-style: chr9-27016936-C-T.
Other names: c.821C>T, p.Ala274Val (NM_001099222.3, NM_001099223.3, NM_001099224.3 and 1 more transcripts); short protein forms A274V.
Identifiers: ClinVar variation 3354974 (VCV003354974.1).